The following is an entry in ClinVar:

ClinVar aggregate classification (germline): Conflicting classifications of pathogenicity. Review status: criteria provided, conflicting classifications (1 of 4 stars). 3 submissions from 3 submitters: Uncertain significance (2); Likely benign (1). Last evaluated 2026-02-11.

Conditions:
Cardiovascular phenotype. Identifiers: MedGen CN230736.
Hypercholesterolemia, autosomal dominant, type B (FHCL2). Also called: Familial Hypercholesterolemia Type B; APOB-Related Familial Hypercholesterolemia, Autosomal Dominant; APOLIPOPROTEIN B-100, FAMILIAL LIGAND-DEFECTIVE; APOLIPOPROTEIN B-100, FAMILIAL DEFECTIVE; HYPERCHOLESTEROLEMIA, FAMILIAL, DUE TO LIGAND-DEFECTIVE APOLIPOPROTEIN B; Hyperlipoproteinemia Type IIb. Identifiers: MedGen C1704417, MONDO:0007751, OMIM 144010.
Familial hypobetalipoproteinemia 1. Also called: APOB-Related Familial Hypobetalipoproteinemia; Hypobetalipoproteinemia, normotriglyceridemic; Acanthocytosis with hypobetalipoproteinemia. Identifiers: MedGen C4551990, MONDO:0014252, OMIM 615558.

Allele frequency attached by ClinVar (database versions not stated): gnomAD exomes 0.00003 and 0.00006; gnomAD 0.00004 and 0.00005; TOPMed 0.00006; ExAC 0.00008; 1000 Genomes Project 30x 0.00016; 1000 Genomes Project 0.00020.
gnomAD v4.1: 43 of 1,612,628 alleles (0.0027%); highest among the groups gnomAD compares: Admixed American, 0.018%; no homozygotes.

Submissions (3):

GeneDx
Classification: Uncertain significance. Last evaluated: 2026-02-11. Review status: criteria provided, single submitter. Criteria: GeneDx Variant Classification Process June 2021. Collection method: clinical testing. Allele origin: germline.
Comment: In silico analysis supports that this missense variant has a deleterious effect on protein structure/function; Has not been previously published as pathogenic or benign to our knowledge; Also known as T1390M

Labcorp Genetics (formerly Invitae), Labcorp
Classification: Likely benign for Familial hypobetalipoproteinemia 1; Hypercholesterolemia, autosomal dominant, type B. Last evaluated: 2025-11-29. Review status: criteria provided, single submitter. Criteria: Invitae Variant Classification Sherloc (09022015). Collection method: clinical testing. Allele origin: germline.

Ambry Genetics
Classification: Uncertain significance for Cardiovascular phenotype. Last evaluated: 2023-09-08. Review status: criteria provided, single submitter. Criteria: Ambry Variant Classification Scheme 2023. Collection method: clinical testing. Allele origin: germline.
Comment: The p.T1417M variant (also known as c.4250C>T), located in coding exon 26 of the APOB gene, results from a C to T substitution at nucleotide position 4250. The threonine at codon 1417 is replaced by methionine, an amino acid with similar properties. This amino acid position is conserved. In addition, this alteration is predicted to be tolerated by in silico analysis. Since supporting evidence is limited at this time, the clinical significance of this alteration remains unclear.

NM_000384.3(APOB):c.4250C>T (p.Thr1417Met)

Gene: APOB (apolipoprotein B; minus strand). Cytogenetic location: 2p24.1.
Variant type: single nucleotide variant.
Coding change: c.4250C>T on transcript NM_000384.3 (MANE Select); coding-DNA position 4250, C replaced by T.
Protein change: p.Thr1417Met; replaces threonine 1417 with methionine.
Molecular consequence: missense variant.
Genome position (GRCh38, 1-based): chr2:21,012,618, G>A on the plus strand (C>T on the coding strand, the complement: APOB is on the minus strand). VCF-style: chr2-21012618-G-A. GRCh37 (hg19) VCF-style: chr2-21235490-G-A.
Other names: short protein forms T1417M.
Identifiers: ClinVar variation 925563 (VCV000925563.14), dbSNP rs200321839, ClinGen allele CA060759.